The following is an entry in ClinVar:

ClinVar aggregate classification (germline): Uncertain significance (1 of 4 stars; one submission).

Conditions:
IFT172-related disorder. Also called: IFT172-related condition; IFT172-related disorders.

gnomAD v4.1: 3 of 1,614,018 alleles (0.00019%); highest among the groups gnomAD compares: Middle Eastern, 0.017%; no homozygotes.

Submission:

PreventionGenetics, part of Exact Sciences
Classification: Uncertain significance for IFT172-related condition. Last evaluated: 2026-07-13. Review status: criteria provided, single submitter. Criteria: ACMG Guidelines, 2015. Collection method: clinical testing. Allele origin: germline.
Comment: The IFT172 c.815G>C variant is predicted to result in the amino acid substitution p.Arg272Thr. To our knowledge, this variant has not been reported in the literature or in a large population database (gnomAD), indicating this variant is rare. At this time, the clinical significance of this variant is uncertain due to the absence of conclusive functional and genetic evidence.

NM_015662.3(IFT172):c.815G>C (p.Arg272Thr)

Gene: IFT172 (intraflagellar transport 172; minus strand). Cytogenetic location: 2p23.3.
Variant type: single nucleotide variant.
Coding change: c.815G>C on transcript NM_015662.3 (MANE Select); coding-DNA position 815, G replaced by C.
Protein change: p.Arg272Thr; replaces arginine 272 with threonine.
Molecular consequence: missense variant.
Genome position (GRCh38, 1-based): chr2:27,480,120, C>G on the plus strand (G>C on the coding strand, the complement: IFT172 is on the minus strand). VCF-style: chr2-27480120-C-G. GRCh37 (hg19) VCF-style: chr2-27702987-C-G.
Other names: c.815G>C, p.Arg272Thr (NM_001410739.1); short protein forms R272T.
Identifiers: ClinVar variation 4995399 (VCV004995399.1).
Genomic context (GRCh38, chr2:27,480,120, plus strand): 5'-AAGGCAGTGATGGTGTATAAATTGGTAATCTCCTTGGGCTTTGCCTCTTCCCAGATGCTT[C>G]TTCGAGGGATCCAGTTGAACACCCGAAGCCTGAAATAAAGTATGTGGCTTTTAGAAGAGA-3'
Protein context (NP_056477.1, residues 262-282): RLRVFNWIPR[Arg272Thr]SIWEEAKPKE